The following is an entry in ClinVar:

ClinVar aggregate classification (germline): Uncertain significance (1 of 4 stars; one submission).

Submission:

Ambry Genetics
Classification: Uncertain significance. Last evaluated: 2024-10-15. Review status: criteria provided, single submitter. Criteria: Ambry Variant Classification Scheme 2023. Collection method: clinical testing. Allele origin: germline.
Comment: The p.L917W variant (also known as c.2750T>G), located in coding exon 22 of the A2ML1 gene, results from a T to G substitution at nucleotide position 2750. The leucine at codon 917 is replaced by tryptophan, an amino acid with similar properties. This amino acid position is conserved. In addition, this alteration is predicted to be tolerated by in silico analysis. Based on the available evidence, the clinical significance of this variant remains unclear.

NM_144670.6(A2ML1):c.2750T>G (p.Leu917Trp)

Gene: A2ML1 (alpha-2-macroglobulin like 1; plus strand). Cytogenetic location: 12p13.31.
Variant type: single nucleotide variant.
Coding change: c.2750T>G on transcript NM_144670.6 (MANE Select); coding-DNA position 2750, T replaced by G.
Protein change: p.Leu917Trp; replaces leucine 917 with tryptophan.
Molecular consequence: missense variant.
Genome position (GRCh38, 1-based): chr12:8,854,817, T>G. VCF-style: chr12-8854817-T-G. GRCh37 (hg19) VCF-style: chr12-9007413-T-G.
Other names: c.1277T>G, p.Leu426Trp (NM_001282424.3); short protein forms L917W, L426W.
Identifiers: ClinVar variation 3534255 (VCV003534255.1).
Genomic context (GRCh38, chr12:8,854,817, plus strand): 5'-ATCTGTGTCTCTCTTCATCGCAGCCTGAGGGAGTCCTGGTGGAGAAGACACACAGCTCAT[T>G]GCTGTGCCCAAAAGGTGGGTGGACTCAGAGCAGGATTGGTGGTGAGAATTCCCTTAGAGG-3'
Protein context (NP_653271.3, residues 907-927): GVLVEKTHSS[Leu917Trp]LCPKGKVASE